The following is an entry in ClinVar:

NM_001123385.2(BCOR):c.3950C>T (p.Pro1317Leu)

Gene: BCOR (BCL6 corepressor; minus strand). Cytogenetic location: Xp11.4.
Variant type: single nucleotide variant.
Coding change: c.3950C>T on transcript NM_001123385.2 (MANE Select); coding-DNA position 3950, C replaced by T.
Protein change: p.Pro1317Leu; replaces proline 1317 with leucine.
Molecular consequence: missense variant.
Genome position (GRCh38, 1-based): chrX:40,062,969, G>A on the plus strand (C>T on the coding strand, the complement: BCOR is on the minus strand). VCF-style: chrX-40062969-G-A. GRCh37 (hg19) VCF-style: chrX-39922222-G-A.
Other names: c.3848C>T, p.Pro1283Leu (NM_001123383.2, NM_017745.6); c.3794C>T, p.Pro1265Leu (NM_001123384.2); short protein forms P1317L, P1283L, P1265L.
Identifiers: ClinVar variation 465160 (VCV000465160.8), dbSNP rs780412607, ClinGen allele CA10386530.

ClinVar aggregate classification (germline): Benign. Review status: criteria provided, single submitter (1 of 4 stars). 2 submissions from 2 submitters: Benign (1). 1 of the submissions does not count toward it. Last evaluated 2025-05-23.

Conditions:
Oculofaciocardiodental syndrome (MCOPS2). Identifiers: Orphanet 2712, MedGen C1846265, MONDO:0010261, OMIM 300166.

Allele frequency attached by ClinVar (database versions not stated): gnomAD 0.00002 and 0.00003; TOPMed 0.00002; gnomAD exomes 0.00013; ExAC 0.00016.
gnomAD v4.1: 35 of 1,187,150 alleles (0.0029%); highest among the groups gnomAD compares: East Asian, 0.092%; no homozygotes.

Submissions (2):

Labcorp Genetics (formerly Invitae), Labcorp
Classification: Benign for Oculofaciocardiodental syndrome. Last evaluated: 2025-05-23. Review status: criteria provided, single submitter. Criteria: Invitae Variant Classification Sherloc (09022015). Collection method: clinical testing. Allele origin: germline.

Department of Pathology and Laboratory Medicine, Sinai Health System
Classification: Benign. Review status: no assertion criteria provided. Collection method: clinical testing. Allele origin: unknown. Affected: yes. Study: The Canadian Open Genetics Repository (COGR). Not counted in ClinVar's aggregate classification.
Comment: The BCOR p.Pro1317Leu variant was not identified in the literature nor was it identified in Cosmic or LOVD 3.0. The variant was identified in dbSNP (ID: rs780412607) and ClinVar (classified as benign by Invitae for Oculofaciocardiodental syndrome). The variant was also identified in control databases in 18 of 140429 chromosomes (6 hemizygous) at a frequency of 0.000128 (Genome Aggregation Database Feb 27, 2017). The variant was observed in the East Asian population in 18 of 10809 chromosomes (freq: 0.001665), but not in the African, Latino, Ashkenazi Jewish, European (Finnish), European (non-Finnish), Other or South Asian populations. The p.Pro1317 residue is not conserved in mammals and computational analyses (PolyPhen-2, SIFT, AlignGVGD, BLOSUM, MutationTaster) provide inconsistent predictions regarding the impact to the protein; this information is not very predictive of pathogenicity. The variant occurs outside of the splicing consensus sequence and 3 of 4 in silico or computational prediction software programs (SpliceSiteFinder, MaxEntScan, NNSPLICE, GeneSplicer) do not predict a difference in splicing. In summary, based on the above information this variant meets our laboratory's criteria to be classified as benign.